The following is an entry in ClinVar:

NM_000211.5(ITGB2):c.120del (p.Gly42fs)

Gene: ITGB2 (integrin subunit beta 2; minus strand). Cytogenetic location: 21q22.3.
Variant type: Deletion.
Coding change: c.120del on transcript NM_000211.5 (MANE Select); coding-DNA position 120, one base deleted (G; older notation c.120delG).
Protein change: p.Gly42fs; shifts the reading frame from glycine 42.
Molecular consequence: frameshift variant. On other transcripts: 5 prime UTR variant (1).
Genome position (GRCh38, 1-based): chr21:44,910,311, C deleted on the plus strand (G on the coding strand, the reverse complement: ITGB2 is on the minus strand); the first of 4 consecutive C bases (chr21:44,910,311-44,910,314); deleting any one gives the same sequence. VCF-style (leftmost placement, unchanged base first): chr21-44910310-GC-G. GRCh37 (hg19) VCF-style: chr21-46330225-GC-G.
Other names: c.120del, p.Gly42fs (NM_001127491.3); c.-88del (NM_001303238.2); short protein forms G42fs.
Identifiers: ClinVar variation 2585527 (VCV002585527.23), dbSNP rs2084110970, ClinGen allele CA2391884875.

ClinVar aggregate classification (germline): Pathogenic/Likely pathogenic. Review status: criteria provided, multiple submitters, no conflicts (2 of 4 stars). 3 submissions from 2 submitters: Pathogenic (1); Likely pathogenic (2). Last evaluated 2024-02-01.

Conditions:
Leukocyte adhesion deficiency 1 (LAD1). Also called: LEUKOCYTE ADHESION DEFICIENCY, TYPE I; LAD 1; Lymphocyte function-associated antigen 1 immunodeficiency; LFA 1 immunodeficiency. Identifiers: Orphanet 2968, Orphanet 99842, MedGen C0398738, MONDO:0007293, OMIM 116920.
Leukocyte adhesion deficiency 3. Also called: INTEGRIN ACTIVATION DEFICIENCY DISEASE; LEUKOCYTE ADHESION DEFICIENCY 1 VARIANT; Leukocyte adhesion deficiency, type III. Identifiers: Orphanet 2968, Orphanet 99844, MedGen C2748536, MONDO:0013016, OMIM 612840.

Submissions (3):

CeGaT Center for Human Genetics Tuebingen
Classification: Pathogenic. Last evaluated: 2024-02-01. Review status: criteria provided, single submitter. Criteria: CeGaT Center For Human Genetics Tuebingen Variant Classification Criteria Version 2. Collection method: clinical testing. Allele origin: germline. Affected: yes. Observed: 2 variant alleles.
Comment: ITGB2: PVS1, PM2, PM3

Neuberg Centre For Genomic Medicine, NCGM
Classification: Likely pathogenic for Leukocyte adhesion deficiency 3. Review status: criteria provided, single submitter. Criteria: ACMG Guidelines, 2015. Collection method: clinical testing. Allele origin: germline. Inheritance: Autosomal recessive inheritance. Affected: yes.
Comment: The frameshift deletion p.G42Afs*8 in ITGB2 (NM_000211.5) has not been reported previously as a pathogenic variant nor as a benign variant, to our knowledge. The p.G42Afs*8 variant is novel (not in any individuals) in gnomAD Exomes and is novel (not in any individuals) in 1000 Genomes. This variant causes a frameshift starting with codon Glycine 42, changes this amino acid to Alanine residue, and creates a premature Stop codon at position 8 of the new reading frame, denoted p.Gly42AlafsTer8. This variant is predicted to cause loss of normal protein function through protein truncation. Loss of function variants have been previously reported to be disease causing. For these reasons, this variant has been classified as Likely Pathogenic.

Neuberg Centre For Genomic Medicine, NCGM
Classification: Likely pathogenic for Leukocyte adhesion deficiency 1. Review status: criteria provided, single submitter. Criteria: ACMG Guidelines, 2015. Collection method: clinical testing. Allele origin: germline. Inheritance: Autosomal recessive inheritance. Affected: yes.
Comment: the same text as in the submission from Neuberg Centre For Genomic Medicine, NCGM above.